The following is an entry in ClinVar:

NM_005633.4(SOS1):c.2639dup (p.Ser881fs)

Gene: SOS1 (SOS Ras/Rac guanine nucleotide exchange factor 1; minus strand). Cytogenetic location: 2p22.1.
Variant type: Duplication.
Coding change: c.2639dup on transcript NM_005633.4 (MANE Select); coding-DNA position 2639, one base duplicated (C; older notation c.2639dupC).
Protein change: p.Ser881fs; shifts the reading frame from serine 881.
Molecular consequence: frameshift variant.
Genome position (GRCh38, 1-based): chr2:39,007,065, G duplicated on the plus strand (C on the coding strand, the reverse complement: SOS1 is on the minus strand). VCF-style (leftmost placement, unchanged base first): chr2-39007064-T-TG. GRCh37 (hg19) VCF-style: chr2-39234205-T-TG.
Other names: c.2618dup, p.Ser874fs (NM_001382394.1); c.2639dup, p.Ser881fs (NM_001382395.1); short protein forms S874fs, S881fs.
Identifiers: ClinVar variation 2705299 (VCV002705299.3), dbSNP rs2528968941, ClinGen allele CA2697548000.

ClinVar aggregate classification (germline): Uncertain significance (1 of 4 stars; one submission).

Conditions:
RASopathy. Also called: rasopathies; Noonan spectrum disorder. Identifiers: Orphanet 536391, MedGen C5555857, MONDO:0021060.

Submission:

Labcorp Genetics (formerly Invitae), Labcorp
Classification: Uncertain significance for RASopathy. Last evaluated: 2024-01-03. Review status: criteria provided, single submitter. Criteria: Invitae Variant Classification Sherloc (09022015). Collection method: clinical testing. Allele origin: germline.
Comment: This sequence change creates a premature translational stop signal (p.Ser881Ilefs*11) in the SOS1 gene. It is expected to result in an absent or disrupted protein product. However, the current clinical and genetic evidence is not sufficient to establish whether loss-of-function variants in SOS1 cause disease. This variant is not present in population databases (gnomAD no frequency). This variant has not been reported in the literature in individuals affected with SOS1-related conditions. In summary, the available evidence is currently insufficient to determine the role of this variant in disease. Therefore, it has been classified as a Variant of Uncertain Significance.